The following is an entry in ClinVar:

NM_000443.4(ABCB4):c.2479-2A>C

Gene: ABCB4 (ATP binding cassette subfamily B member 4; minus strand). Cytogenetic location: 7q21.12.
Variant type: single nucleotide variant.
Coding change: c.2479-2A>C on transcript NM_000443.4 (MANE Select); the canonical splice acceptor site of the intron before coding-DNA position 2479, A replaced by C.
Molecular consequence: splice acceptor variant.
Genome position (GRCh38, 1-based): chr7:87,417,517, T>G on the plus strand (A>C on the coding strand, the complement: ABCB4 is on the minus strand). VCF-style: chr7-87417517-T-G. GRCh37 (hg19) VCF-style: chr7-87046833-T-G.
Other names: c.2479-2A>C (NM_018850.3, NM_018849.3).
Identifiers: ClinVar variation 3391265 (VCV003391265.1).

ClinVar aggregate classification (germline): Likely pathogenic (1 of 4 stars; one submission).

Conditions:
Progressive familial intrahepatic cholestasis type 3. Also called: Low Gamma-GT Familial Intrahepatic Cholestasis; MDR3 DEFICIENCY. Identifiers: Orphanet 79305, MedGen C1865643, MONDO:0011214, OMIM 602347.

Submission:

Neuberg Centre For Genomic Medicine, NCGM
Classification: Likely pathogenic for Progressive familial intrahepatic cholestasis type 3. Last evaluated: 2023-07-22. Review status: criteria provided, single submitter. Criteria: ACMG Guidelines, 2015. Collection method: clinical testing. Allele origin: germline. Inheritance: Autosomal recessive inheritance. Affected: yes.
Comment: The splice acceptor c.2479-2A>C variant in the ABCB4 gene has not been reported previously as a pathogenic variant nor as a benign variant, to our knowledge. The variant is absent in the gnomAD Exomes. The variant affects the AG acceptor splice site upstream to intron 20. This variant is predicted to cause a loss of normal protein function through protein truncation. Loss of function variants has been previously reported to be disease causing Stalke et al., 2018. For these reasons, this variant has been classified as Likely Pathogenic.